The following is an entry in ClinVar:

NM_000038.6(APC):c.8038C>G (p.Pro2680Ala)

Gene: APC (APC regulator of Wnt signaling pathway; plus strand). Cytogenetic location: 5q22.2.
Variant type: single nucleotide variant.
Coding change: c.8038C>G on transcript NM_000038.6 (MANE Select); coding-DNA position 8038, C replaced by G.
Protein change: p.Pro2680Ala; replaces proline 2680 with alanine.
Molecular consequence: missense variant.
Genome position (GRCh38, 1-based): chr5:112,843,632, C>G. VCF-style: chr5-112843632-C-G. GRCh37 (hg19) VCF-style: chr5-112179329-C-G.
Other names: c.8038C>G, p.Pro2680Ala (NM_001127510.3, NM_001354895.2); c.7984C>G, p.Pro2662Ala (NM_001127511.3); c.8092C>G, p.Pro2698Ala (NM_001354896.2); c.8068C>G, p.Pro2690Ala (NM_001354897.2); c.7963C>G, p.Pro2655Ala (NM_001354898.2); c.7954C>G, p.Pro2652Ala (NM_001354899.2); c.7915C>G, p.Pro2639Ala (NM_001354900.2); c.7861C>G, p.Pro2621Ala (NM_001354901.2); and 5 more; short protein forms P2680A, P2662A, P2639A, P2655A, P2554A, P2621A, P2652A, P2690A.
Identifiers: ClinVar variation 132756 (VCV000132756.20), dbSNP rs587780553, ClinGen allele CA014255.

ClinVar aggregate classification (germline): Conflicting classifications of pathogenicity. Review status: criteria provided, conflicting classifications (1 of 4 stars). 5 submissions from 5 submitters: Uncertain significance (4); Likely benign (1). Last evaluated 2026-06-03.

Conditions:
Classic or attenuated familial adenomatous polyposis. Identifiers: MedGen CN372698, MONDO:0021057.
Hereditary cancer-predisposing syndrome. Also called: Neoplastic Syndromes, Hereditary; Tumor predisposition; Hereditary neoplastic syndrome; Hereditary Cancer Syndrome. Identifiers: Orphanet 140162, MedGen C0027672, MeSH D009386, MONDO:0015356.
Familial adenomatous polyposis 1 (FAP1). Also called: FAMILIAL ADENOMATOUS POLYPOSIS 1, ATTENUATED; POLYPOSIS, ADENOMATOUS INTESTINAL. Identifiers: MedGen C2713442, MONDO:0021056, OMIM 175100. Disease mechanism: loss of function.

gnomAD v4.1: 7 of 1,613,696 alleles (0.00043%); highest among the groups gnomAD compares: Non-Finnish European, 0.00059%; no homozygotes.

Submissions (5):

Ambry Genetics
Classification: Likely benign for Hereditary cancer-predisposing syndrome. Last evaluated: 2026-06-03. Review status: criteria provided, single submitter. Criteria: Ambry Variant Classification Scheme 2023. Collection method: clinical testing. Allele origin: germline.

Labcorp Genetics (formerly Invitae), Labcorp
Classification: Uncertain significance for Familial adenomatous polyposis 1. Last evaluated: 2025-09-03. Review status: criteria provided, single submitter. Criteria: Invitae Variant Classification Sherloc (09022015). Collection method: clinical testing. Allele origin: germline.
Comment: This sequence change replaces proline, which is neutral and non-polar, with alanine, which is neutral and non-polar, at codon 2680 of the APC protein (p.Pro2680Ala). This variant is not present in population databases (gnomAD no frequency). This variant has not been reported in the literature in individuals affected with APC-related conditions. ClinVar contains an entry for this variant (Variation ID: 132756). Invitae Evidence Modeling of protein sequence and biophysical properties (such as structural, functional, and spatial information, amino acid conservation, physicochemical variation, residue mobility, and thermodynamic stability) indicates that this missense variant is not expected to disrupt APC protein function with a negative predictive value of 95%. In summary, the available evidence is currently insufficient to determine the role of this variant in disease. Therefore, it has been classified as a Variant of Uncertain Significance.

GeneDx
Classification: Uncertain significance. Last evaluated: 2024-02-12. Review status: criteria provided, single submitter. Criteria: GeneDx Variant Classification Process June 2021. Collection method: clinical testing. Allele origin: germline. Affected: yes.
Comment: Not observed at significant frequency in large population cohorts (gnomAD); In silico analysis supports that this missense variant does not alter protein structure/function; Has not been previously published as pathogenic or benign to our knowledge; This variant is associated with the following publications: (PMID: 18199528)

All of Us Research Program, National Institutes of Health
Classification: Uncertain significance for Classic or attenuated familial adenomatous polyposis. Last evaluated: 2023-06-28. Review status: criteria provided, single submitter. Criteria: ACMG Guidelines, 2015. Collection method: clinical testing. Allele origin: germline. Inheritance: Autosomal dominant inheritance. Observed: 1 variant allele, 1 heterozygote.
Comment: This study involves interpretation of variants in research participants for the purpose of population health screening. Participant phenotype was not available at the time of variant classification. Additional details can be found in publication PMID: 35346344, PMCID: PMC8962531

Women's Health and Genetics/Laboratory Corporation of America, LabCorp
Classification: Uncertain significance. Last evaluated: 2016-11-25. Review status: criteria provided, single submitter. Criteria: LabCorp Variant Classification Summary - May 2015. Collection method: clinical testing. Allele origin: germline.
Comment: Variant summary: The APC c.8038C>G (p.Pro2680Ala) variant involves the alteration of a conserved nucleotide. 4/4 in silico tools predict a damaging outcome for this variant (SNPs&GO not captured due to low reliability index). This variant is absent in 121286 control chromosomes. In addition, one other clinical diagnostic laboratory classified this variant as uncertain significance. The variant of interest has not, to our knowledge, been reported in affected individuals via publications and/or reputable databases/clinical diagnostic laboratories; nor evaluated for functional impact by in vivo/vitro studies. Because of the absence of clinical information and the lack of functional studies, the variant is classified as a variant of uncertain significance (VUS) until additional information becomes available.